The following is an entry in ClinVar:

ClinVar aggregate classification (germline): Benign/Likely benign. Review status: criteria provided, single submitter (1 of 4 stars). 2 submissions from 1 submitter: Benign (1); Likely benign (1). Last evaluated 2018-01-13.

Conditions:
Sacral defect with anterior meningocele. Identifiers: MedGen C1838568, OMIM 600145.
Neural tube defect (NTD). Also called: Neural tube defects. Identifiers: Orphanet 3388, Orphanet 823, MedGen C0027794, MONDO:0018075, HP:0045005.

Allele frequency attached by ClinVar (database versions not stated): 1000 Genomes Project 0.00100; 1000 Genomes Project 30x 0.00109; TOPMed 0.00177; gnomAD 0.00196 and 0.00199; gnomAD exomes 0.00238.
gnomAD v4.1: 296 of 152,746 alleles (0.19%); highest among the groups gnomAD compares: Non-Finnish European, 0.28%; no homozygotes.

Submissions (2):

Illumina Laboratory Services, Illumina
Classification: Benign for Sacral defect with anterior meningocele. Last evaluated: 2018-01-13. Review status: criteria provided, single submitter. Criteria: ICSL Variant Classification Criteria 13 December 2019. Collection method: clinical testing. Allele origin: germline.
Comment: This variant was observed in the ICSL laboratory as part of a predisposition screen in an ostensibly healthy population. It had not been previously curated by ICSL or reported in the Human Gene Mutation Database (HGMD: prior to June 1st, 2018), and was therefore a candidate for classification through an automated scoring system. Utilizing variant allele frequency, disease prevalence and penetrance estimates, and inheritance mode, an automated score was calculated to assess if this variant is too frequent to cause the disease. Based on the score and internal cut-off values, a variant classified as benign is not then subjected to further curation. The score for this variant resulted in a classification of benign for this disease.

Illumina Laboratory Services, Illumina
Classification: Likely benign for Neural tube defects, susceptibility to. Last evaluated: 2018-01-13. Review status: criteria provided, single submitter. Criteria: ICSL Variant Classification Criteria 13 December 2019. Collection method: clinical testing. Allele origin: germline.
Comment: This variant was observed in the ICSL laboratory as part of a predisposition screen in an ostensibly healthy population. It had not been previously curated by ICSL or reported in the Human Gene Mutation Database (HGMD: prior to June 1st, 2018), and was therefore a candidate for classification through an automated scoring system. Utilizing variant allele frequency, disease prevalence and penetrance estimates, and inheritance mode, an automated score was calculated to assess if this variant is too frequent to cause the disease. Based on the score and internal cut-off values, a variant classified as likely benign is not then subjected to further curation. The score for this variant resulted in a classification of likely benign for this disease.

NM_138959.3(VANGL1):c.*1772A>G

Gene: VANGL1 (VANGL planar cell polarity protein 1; plus strand). Cytogenetic location: 1p13.1.
Variant type: single nucleotide variant.
Coding change: c.*1772A>G on transcript NM_138959.3 (MANE Select); 1772 bases downstream of the stop codon, A replaced by G.
Molecular consequence: 3 prime UTR variant.
Genome position (GRCh38, 1-based): chr1:115,693,151, A>G. VCF-style: chr1-115693151-A-G. GRCh37 (hg19) VCF-style: chr1-116235772-A-G.
Other names: c.*1772A>G (NM_001172411.2, NM_001172412.2).
Identifiers: ClinVar variation 292043 (VCV000292043.5), dbSNP rs114033235, ClinGen allele CA10607557.